The following is an entry in ClinVar:

NM_000023.4(SGCA):c.1054G>C (p.Glu352Gln)

Gene: SGCA (sarcoglycan alpha; plus strand). Cytogenetic location: 17q21.33.
Variant type: single nucleotide variant.
Coding change: c.1054G>C on transcript NM_000023.4 (MANE Select); coding-DNA position 1054, G replaced by C.
Protein change: p.Glu352Gln; replaces glutamic acid 352 with glutamine.
Molecular consequence: missense variant. On other transcripts: non-coding transcript variant (1).
Genome position (GRCh38, 1-based): chr17:50,175,327, G>C. VCF-style: chr17-50175327-G-C. GRCh37 (hg19) VCF-style: chr17-48252688-G-C.
Other names: c.682G>C, p.Glu228Gln (NM_001135697.3); short protein forms E228Q, E352Q.
Identifiers: ClinVar variation 1378133 (VCV001378133.5), dbSNP rs763372958, ClinGen allele CA400184168.
Genomic context (GRCh38, chr17:50,175,327, plus strand): 5'-GTCCACCACTGCACCATCCACGGGAACACAGAGGAGCTGCGGCAGATGGCGGCCAGCCGC[G>C]AGGTGCCCCGGCCACTCTCCACCCTGCCCATGTTCAATGTGCACACAGGTGAGCGGCTGC-3'
Protein context (NP_000014.1, residues 342-362): EELRQMAASR[Glu352Gln]VPRPLSTLPM

ClinVar aggregate classification (germline): Uncertain significance (1 of 4 stars; one submission).

Conditions:
Autosomal recessive limb-girdle muscular dystrophy type 2D (LGMDR3). Also called: ADHALINOPATHY, PRIMARY; DUCHENNE-LIKE AUTOSOMAL RECESSIVE MUSCULAR DYSTROPHY, TYPE 2; MUSCULAR DYSTROPHY, LIMB-GIRDLE, AUTOSOMAL RECESSIVE 3. Identifiers: Orphanet 62, MedGen C2936332, MONDO:0011968, OMIM 608099. Disease mechanism: Affects gamma-sarcoglycan and also disrupts the integrity of the entire sarcoglycan complex..

gnomAD v4.1: 3 of 1,609,960 alleles (0.00019%); highest among the groups gnomAD compares: Non-Finnish European, 0.00025%; no homozygotes.

Submission:

Labcorp Genetics (formerly Invitae), Labcorp
Classification: Uncertain significance for Autosomal recessive limb-girdle muscular dystrophy type 2D. Last evaluated: 2021-09-01. Review status: criteria provided, single submitter. Criteria: Invitae Variant Classification Sherloc (09022015). Collection method: clinical testing. Allele origin: germline.
Comment: This sequence change replaces glutamic acid with glutamine at codon 352 of the SGCA protein (p.Glu352Gln). The glutamic acid residue is weakly conserved and there is a small physicochemical difference between glutamic acid and glutamine. This variant is not present in population databases (ExAC no frequency). This variant has not been reported in the literature in individuals affected with SGCA-related conditions. Algorithms developed to predict the effect of missense changes on protein structure and function are either unavailable or do not agree on the potential impact of this missense change (SIFT: "Tolerated"; PolyPhen-2: "Possibly Damaging"; Align-GVGD: "Class C0"). In summary, the available evidence is currently insufficient to determine the role of this variant in disease. Therefore, it has been classified as a Variant of Uncertain Significance.